The following is an entry in ClinVar:

NM_006767.4(LZTR1):c.2492A>G (p.Lys831Arg)

Gene: LZTR1 (leucine zipper like post translational regulator 1; plus strand). Cytogenetic location: 22q11.21.
Variant type: single nucleotide variant.
Coding change: c.2492A>G on transcript NM_006767.4 (MANE Select); coding-DNA position 2492, A replaced by G.
Protein change: p.Lys831Arg; replaces lysine 831 with arginine.
Molecular consequence: missense variant.
Genome position (GRCh38, 1-based): chr22:20,997,317, A>G. VCF-style: chr22-20997317-A-G. GRCh37 (hg19) VCF-style: chr22-21351606-A-G.
Other names: short protein forms K831R.
Identifiers: ClinVar variation 1792087 (VCV001792087.3), dbSNP rs2518626858, ClinGen allele CA410781881.
Genomic context (GRCh38, chr22:20,997,317, plus strand): 5'-CGCTGAGCCAGCAGCTGCTGCTGGACATCATAGACTCCCTGGCCTCCCACATCTCAGACA[A>G]GCAGTGCGCAGAGCTGGGCGCCGACATCTGAGGCCCTGTGGCGCCTGCCCATTGTGAAGA-3'
Protein context (NP_006758.2, residues 821-840): IDSLASHISD[Lys831Arg]QCAELGADI

ClinVar aggregate classification (germline): Uncertain significance. Review status: criteria provided, multiple submitters, no conflicts (2 of 4 stars). 2 submissions from 2 submitters: Uncertain significance (2). Last evaluated 2023-07-27.

Conditions:
Hereditary cancer-predisposing syndrome. Also called: Hereditary Cancer Syndrome; Hereditary neoplastic syndrome; Tumor predisposition; Neoplastic Syndromes, Hereditary. Identifiers: Orphanet 140162, MedGen C0027672, MeSH D009386, MONDO:0015356.
Cardiovascular phenotype. Identifiers: MedGen CN230736.
LZTR1-related disorder. Also called: LZTR1-related disorders; LZTR1-related condition.

Submissions (2):

PreventionGenetics, part of Exact Sciences
Classification: Uncertain significance for LZTR1-related condition. Last evaluated: 2023-07-27. Review status: criteria provided, single submitter. Criteria: ACMG Guidelines, 2015. Collection method: clinical testing. Allele origin: germline.
Comment: The LZTR1 c.2492A>G variant is predicted to result in the amino acid substitution p.Lys831Arg. To our knowledge, this variant has not been reported in the literature or in a large population database, indicating this variant is rare. At this time, the clinical significance of this variant is uncertain due to the absence of conclusive functional and genetic evidence.

Ambry Genetics
Classification: Uncertain significance for Cardiovascular phenotype; Hereditary cancer-predisposing syndrome. Last evaluated: 2021-10-19. Review status: criteria provided, single submitter. Criteria: Ambry Variant Classification Scheme 2023. Collection method: clinical testing. Allele origin: germline.
Comment: The p.K831R variant (also known as c.2492A>G), located in coding exon 21 of the LZTR1 gene, results from an A to G substitution at nucleotide position 2492. The lysine at codon 831 is replaced by arginine, an amino acid with highly similar properties. This amino acid position is well conserved in available vertebrate species. In addition, this alteration is predicted to be tolerated by in silico analysis. Since supporting evidence is limited at this time, the clinical significance of this alteration remains unclear.